The following is an entry in ClinVar:

NM_006946.4(SPTBN2):c.47A>G (p.Gln16Arg)

Gene: SPTBN2 (spectrin beta, non-erythrocytic 2; minus strand). Cytogenetic location: 11q13.2.
Variant type: single nucleotide variant.
Coding change: c.47A>G on transcript NM_006946.4 (MANE Select); coding-DNA position 47, A replaced by G.
Protein change: p.Gln16Arg; replaces glutamine 16 with arginine.
Molecular consequence: missense variant.
Genome position (GRCh38, 1-based): chr11:66,721,194, T>C on the plus strand (A>G on the coding strand, the complement: SPTBN2 is on the minus strand). VCF-style: chr11-66721194-T-C. GRCh37 (hg19) VCF-style: chr11-66488665-T-C.
Other names: short protein forms Q16R.
Identifiers: ClinVar variation 3901411 (VCV003901411.1).

ClinVar aggregate classification (germline): Uncertain significance (1 of 4 stars; one submission).

Submission:

GeneDx
Classification: Uncertain significance. Last evaluated: 2024-12-07. Review status: criteria provided, single submitter. Criteria: GeneDx Variant Classification Process June 2021. Collection method: clinical testing. Allele origin: germline. Affected: yes.
Comment: Not observed at significant frequency in large population cohorts (gnomAD); In silico analysis supports that this missense variant has a deleterious effect on protein structure/function; Has not been previously published as pathogenic or benign to our knowledge